The following is an entry in ClinVar:

ClinVar aggregate classification (germline): Uncertain significance (1 of 4 stars; one submission).

Conditions:
Arrhythmogenic right ventricular dysplasia 9 (ARVD9). Also called: Arrhythmogenic Right Ventricular Dysplasia/Cardiomyopathy 9; ARRHYTHMOGENIC RIGHT VENTRICULAR DYSPLASIA, FAMILIAL, 9. Identifiers: MedGen C1836906, MONDO:0012180, OMIM 609040.

Submission:

Labcorp Genetics (formerly Invitae), Labcorp
Classification: Uncertain significance for Arrhythmogenic right ventricular dysplasia 9. Last evaluated: 2022-04-12. Review status: criteria provided, single submitter. Criteria: Invitae Variant Classification Sherloc (09022015). Collection method: clinical testing. Allele origin: germline.
Comment: In summary, the available evidence is currently insufficient to determine the role of this variant in disease. Therefore, it has been classified as a Variant of Uncertain Significance. Algorithms developed to predict the effect of missense changes on protein structure and function output the following: SIFT: "Tolerated"; PolyPhen-2: "Benign"; Align-GVGD: "Class C0". The leucine amino acid residue is found in multiple mammalian species, which suggests that this missense change does not adversely affect protein function. This variant has not been reported in the literature in individuals affected with PKP2-related conditions. This variant is not present in population databases (gnomAD no frequency). This sequence change replaces valine, which is neutral and non-polar, with leucine, which is neutral and non-polar, at codon 310 of the PKP2 protein (p.Val310Leu).

NM_001005242.3(PKP2):c.928G>C (p.Val310Leu)

Gene: PKP2 (plakophilin 2; minus strand). Cytogenetic location: 12p11.21.
Variant type: single nucleotide variant.
Coding change: c.928G>C on transcript NM_001005242.3 (MANE Select); coding-DNA position 928, G replaced by C.
Protein change: p.Val310Leu; replaces valine 310 with leucine.
Molecular consequence: missense variant.
Genome position (GRCh38, 1-based): chr12:32,877,952, C>G on the plus strand (G>C on the coding strand, the complement: PKP2 is on the minus strand). VCF-style: chr12-32877952-C-G. GRCh37 (hg19) VCF-style: chr12-33030886-C-G.
Other names: c.928G>C, p.Val310Leu (NM_001407155.1, NM_001407156.1, NM_001407157.1 and 2 more transcripts); c.601G>C, p.Val201Leu (NM_001407158.1, NM_001407159.1, NM_001407160.1 and 1 more transcripts); short protein forms V201L, V310L.
Identifiers: ClinVar variation 2125458 (VCV002125458.4), dbSNP rs768396351, ClinGen allele CA235265956.
Genomic context (GRCh38, chr12:32,877,952, plus strand): 5'-CACTTCCCCCTGCGGCCGCCTGGCCGACAGTCAAGTGCGCTCTCCTCCCGCTGGAATCCA[C>G]GGCGACACTGGGCCCAGCTTCCCTCAGCGTGCGGGTGCTGTGGAAGGAGCTCTGATGCCA-3'
Protein context (NP_001005242.2, residues 300-320): TLREAGPSVA[Val310Leu]DSSGRRAHLT